The following is an entry in ClinVar:

ClinVar aggregate classification (germline): Benign/Likely benign. Review status: criteria provided, multiple submitters, no conflicts (2 of 4 stars). 3 submissions from 3 submitters: Benign (1); Likely benign (2). Last evaluated 2026-08-01.

Conditions:
Early-infantile DEE. Also called: Early infantile epileptic encephalopathy; Ohtahara syndrome; Early infantile epileptic encephalopathy with suppression bursts. Identifiers: Orphanet 1934, MedGen C0393706, MONDO:0800491.
KCNH5-related disorder. Also called: KCNH5-related condition.

Allele frequency attached by ClinVar (database versions not stated): 1000 Genomes Project 30x 0.00016; 1000 Genomes Project 0.00020; ESP Exome Variant Server 0.00054; ExAC 0.00075; gnomAD 0.00094 and 0.00096; gnomAD exomes 0.00099 and 0.00114; TOPMed 0.00112.
gnomAD v4.1: 1,826 of 1,614,098 alleles (0.11%); highest among the groups gnomAD compares: Non-Finnish European, 0.13%; 4 homozygotes.

Submissions (3):

CeGaT Center for Human Genetics Tuebingen
Classification: Likely benign. Last evaluated: 2026-08-01. Review status: criteria provided, single submitter. Criteria: CeGaT Center For Human Genetics Tuebingen Variant Classification Criteria Version 2. Collection method: clinical testing. Allele origin: germline. Affected: yes. Observed: 2 variant alleles.
Comment: KCNH5: BP4, BP7

Labcorp Genetics (formerly Invitae), Labcorp
Classification: Benign for Early-infantile DEE. Last evaluated: 2026-01-31. Review status: criteria provided, single submitter. Criteria: Invitae Variant Classification Sherloc (09022015). Collection method: clinical testing. Allele origin: germline.

PreventionGenetics, part of Exact Sciences
Classification: Likely benign for KCNH5-related condition. Last evaluated: 2025-01-13. Review status: criteria provided, single submitter. Criteria: ACMG Guidelines, 2015. Collection method: clinical testing. Allele origin: germline.
Comment: This variant is classified as likely benign based on ACMG/AMP sequence variant interpretation guidelines (Richards et al. 2015 PMID: 25741868, with internal and published modifications).

NM_139318.5(KCNH5):c.1620A>G (p.Leu540=)

Gene: KCNH5 (potassium voltage-gated channel subfamily H member 5; minus strand). Cytogenetic location: 14q23.2.
Variant type: single nucleotide variant.
Coding change: c.1620A>G on transcript NM_139318.5 (MANE Select); coding-DNA position 1620, A replaced by G.
Protein change: p.Leu540=; no amino-acid change (leucine 540 retained).
Molecular consequence: synonymous variant.
Genome position (GRCh38, 1-based): chr14:62,802,531, T>C on the plus strand (A>G on the coding strand, the complement: KCNH5 is on the minus strand). VCF-style: chr14-62802531-T-C. GRCh37 (hg19) VCF-style: chr14-63269249-T-C.
Other names: c.1620A>G, p.Leu540= (NM_172375.3).
Identifiers: ClinVar variation 461387 (VCV000461387.21), dbSNP rs115435938, ClinGen allele CA7217433.